The following is an entry in ClinVar:

NM_005633.4(SOS1):c.584C>T (p.Thr195Ile)

Gene: SOS1 (SOS Ras/Rac guanine nucleotide exchange factor 1; minus strand). Cytogenetic location: 2p22.1.
Variant type: single nucleotide variant.
Coding change: c.584C>T on transcript NM_005633.4 (MANE Select); coding-DNA position 584, C replaced by T.
Protein change: p.Thr195Ile; replaces threonine 195 with isoleucine.
Molecular consequence: missense variant.
Genome position (GRCh38, 1-based): chr2:39,054,750, G>A on the plus strand (C>T on the coding strand, the complement: SOS1 is on the minus strand). VCF-style: chr2-39054750-G-A. GRCh37 (hg19) VCF-style: chr2-39281891-G-A.
Other names: c.563C>T, p.Thr188Ile (NM_001382394.1); c.584C>T, p.Thr195Ile (NM_001382395.1); short protein forms T188I, T195I.
Identifiers: ClinVar variation 3341777 (VCV003341777.17).

ClinVar aggregate classification (germline): Uncertain significance. Review status: criteria provided, multiple submitters, no conflicts (2 of 4 stars). 3 submissions from 3 submitters: Uncertain significance (3). Last evaluated 2025-10-27.

Conditions:
Cardiovascular phenotype. Identifiers: MedGen CN230736.
RASopathy. Also called: rasopathies; Noonan spectrum disorder. Identifiers: Orphanet 536391, MedGen C5555857, MONDO:0021060.

gnomAD v4.1: 5 of 1,593,774 alleles (0.00031%); highest among the groups gnomAD compares: South Asian, 0.0033%; no homozygotes.

Submissions (3):

Ambry Genetics
Classification: Uncertain significance for Cardiovascular phenotype. Last evaluated: 2025-10-27. Review status: criteria provided, single submitter. Criteria: Ambry Variant Classification Scheme 2023. Collection method: clinical testing. Allele origin: germline.
Comment: The p.T195I variant (also known as c.584C>T), located in coding exon 5 of the SOS1 gene, results from a C to T substitution at nucleotide position 584. The threonine at codon 195 is replaced by isoleucine, an amino acid with similar properties. This amino acid position is conserved. In addition, this alteration is predicted to be tolerated by in silico analysis. Based on the available evidence, the clinical significance of this variant remains unclear.

Labcorp Genetics (formerly Invitae), Labcorp
Classification: Uncertain significance for RASopathy. Last evaluated: 2025-06-06. Review status: criteria provided, single submitter. Criteria: Invitae Variant Classification Sherloc (09022015). Collection method: clinical testing. Allele origin: germline.
Comment: This sequence change replaces threonine, which is neutral and polar, with isoleucine, which is neutral and non-polar, at codon 195 of the SOS1 protein (p.Thr195Ile). This variant is present in population databases (no rsID available, gnomAD 0.003%). This variant has not been reported in the literature in individuals affected with SOS1-related conditions. ClinVar contains an entry for this variant (Variation ID: 3341777). Invitae Evidence Modeling of protein sequence and biophysical properties (such as structural, functional, and spatial information, amino acid conservation, physicochemical variation, residue mobility, and thermodynamic stability) has been performed for this missense variant. However, the output from this modeling did not meet the statistical confidence thresholds required to predict the impact of this variant on SOS1 protein function. In summary, the available evidence is currently insufficient to determine the role of this variant in disease. Therefore, it has been classified as a Variant of Uncertain Significance.

CeGaT Center for Human Genetics Tuebingen
Classification: Uncertain significance. Last evaluated: 2024-08-01. Review status: criteria provided, single submitter. Criteria: CeGaT Center For Human Genetics Tuebingen Variant Classification Criteria Version 2. Collection method: clinical testing. Allele origin: germline. Affected: yes. Observed: 1 variant allele.